The following is an entry in ClinVar:

NM_001376.5(DYNC1H1):c.8653G>C (p.Asp2885His)

Gene: DYNC1H1 (dynein cytoplasmic 1 heavy chain 1; plus strand). Cytogenetic location: 14q32.31.
Variant type: single nucleotide variant.
Coding change: c.8653G>C on transcript NM_001376.5 (MANE Select); coding-DNA position 8653, G replaced by C.
Protein change: p.Asp2885His; replaces aspartic acid 2885 with histidine.
Molecular consequence: missense variant.
Genome position (GRCh38, 1-based): chr14:102,026,589, G>C. VCF-style: chr14-102026589-G-C. GRCh37 (hg19) VCF-style: chr14-102492926-G-C.
Other names: c.8653G>C (NM_001376.4); short protein forms D2885H.
Identifiers: ClinVar variation 1001447 (VCV001001447.10), dbSNP rs2048454256, ClinGen allele CA391008717.

ClinVar aggregate classification (germline): Uncertain significance. Review status: criteria provided, multiple submitters, no conflicts (2 of 4 stars). 2 submissions from 2 submitters: Uncertain significance (2). Last evaluated 2024-11-20.

Conditions:
Charcot-Marie-Tooth disease axonal type 2O. Also called: CHARCOT-MARIE-TOOTH NEUROPATHY, AXONAL, TYPE 2O; CHARCOT-MARIE-TOOTH DISEASE, AXONAL, AUTOSOMAL DOMINANT, TYPE 2O; Charcot-Marie-Tooth disease, axonal, type 20; Charcot-Marie-Tooth Neuropathy Type 2O. Identifiers: Orphanet 284232, MedGen C3280220, MONDO:0013644, OMIM 614228.

Allele frequency attached by ClinVar (database versions not stated): gnomAD exomes below 0.00001.
gnomAD v4.1: 2 of 1,614,058 alleles (0.00012%); highest among the groups gnomAD compares: Non-Finnish European, 0.00017%; no homozygotes.

Submissions (2):

GeneDx
Classification: Uncertain significance. Last evaluated: 2024-11-20. Review status: criteria provided, single submitter. Criteria: GeneDx Variant Classification Process June 2021. Collection method: clinical testing. Allele origin: germline.
Comment: Not observed at significant frequency in large population cohorts (gnomAD); In silico analysis supports that this missense variant has a deleterious effect on protein structure/function; Has not been previously published as pathogenic or benign to our knowledge; This variant is associated with the following publications: (PMID: 25512093, 25609763, 26100331)

Labcorp Genetics (formerly Invitae), Labcorp
Classification: Uncertain significance for Charcot-Marie-Tooth disease axonal type 2O. Last evaluated: 2020-03-12. Review status: criteria provided, single submitter. Criteria: Invitae Variant Classification Sherloc (09022015). Collection method: clinical testing. Allele origin: germline.
Comment: In summary, the available evidence is currently insufficient to determine the role of this variant in disease. Therefore, it has been classified as a Variant of Uncertain Significance. Algorithms developed to predict the effect of missense changes on protein structure and function are either unavailable or do not agree on the potential impact of this missense change (SIFT: "Deleterious"; PolyPhen-2: "Possibly Damaging"; Align-GVGD: "Class C0"). This variant has not been reported in the literature in individuals with DYNC1H1-related conditions. This variant is not present in population databases (ExAC no frequency). This sequence change replaces aspartic acid with histidine at codon 2885 of the DYNC1H1 protein (p.Asp2885His). The aspartic acid residue is moderately conserved and there is a moderate physicochemical difference between aspartic acid and histidine.